The following is an entry in ClinVar:

ClinVar aggregate classification (germline): Uncertain significance (1 of 4 stars; one submission).

Conditions:
Long QT syndrome (LQTS). Identifiers: MedGen C0023976, MeSH D008133, MONDO:0002442. Disease mechanism: loss of function. Inheritance: Various modes of inheritance.

Submission:

Labcorp Genetics (formerly Invitae), Labcorp
Classification: Uncertain significance for Long QT syndrome. Last evaluated: 2021-04-20. Review status: criteria provided, single submitter. Criteria: Invitae Variant Classification Sherloc (09022015). Collection method: clinical testing. Allele origin: germline.
Comment: In summary, the available evidence is currently insufficient to determine the role of this variant in disease. Therefore, it has been classified as a Variant of Uncertain Significance. Algorithms developed to predict the effect of missense changes on protein structure and function (SIFT, PolyPhen-2, Align-GVGD) all suggest that this variant is likely to be disruptive, but these predictions have not been confirmed by published functional studies and their clinical significance is uncertain. This variant has not been reported in the literature in individuals with KCNH2-related conditions. This variant is not present in population databases (ExAC no frequency). This sequence change replaces glycine with aspartic acid at codon 710 of the KCNH2 protein (p.Gly710Asp). The glycine residue is highly conserved and there is a moderate physicochemical difference between glycine and aspartic acid.

NM_000238.4(KCNH2):c.2129G>A (p.Gly710Asp)

Gene: KCNH2 (potassium voltage-gated channel subfamily H member 2; minus strand). Cytogenetic location: 7q36.1.
Variant type: single nucleotide variant.
Coding change: c.2129G>A on transcript NM_000238.4 (MANE Select); coding-DNA position 2129, G replaced by A.
Protein change: p.Gly710Asp; replaces glycine 710 with aspartic acid.
Molecular consequence: missense variant.
Genome position (GRCh38, 1-based): chr7:150,950,937, C>T on the plus strand (G>A on the coding strand, the complement: KCNH2 is on the minus strand). VCF-style: chr7-150950937-C-T. GRCh37 (hg19) VCF-style: chr7-150648025-C-T.
Other names: c.1109G>A, p.Gly370Asp (NM_001204798.2, NM_172057.3); c.1841G>A, p.Gly614Asp (NM_001406753.1, NM_001406756.1); c.1952G>A, p.Gly651Asp (NM_001406755.1); c.1829G>A, p.Gly610Asp (NM_001406757.1); c.2129G>A, p.Gly710Asp (NM_172056.3); short protein forms G370D, G710D, G614D, G651D, G610D.
Identifiers: ClinVar variation 1411905 (VCV001411905.9), dbSNP rs2116954244, ClinGen allele CA369857355.